The following is an entry in ClinVar:

NM_003718.5(CDK13):c.370C>T (p.Pro124Ser)

Genes: CDK13 (cyclin dependent kinase 13; plus strand), LOC129998292 (ATAC-STARR-seq lymphoblastoid silent region 18115; plus strand). Cytogenetic location: 7p14.1.
Variant type: single nucleotide variant.
Coding change: c.370C>T on transcript NM_003718.5 (MANE Select); coding-DNA position 370, C replaced by T.
Protein change: p.Pro124Ser; replaces proline 124 with serine.
Molecular consequence: missense variant.
Genome position (GRCh38, 1-based): chr7:39,951,011, C>T. VCF-style: chr7-39951011-C-T. GRCh37 (hg19) VCF-style: chr7-39990610-C-T.
Other names: c.370C>T, p.Pro124Ser (NM_031267.4); short protein forms P124S.
Identifiers: ClinVar variation 1366573 (VCV001366573.8), dbSNP rs1202031047, ClinGen allele CA367309513.

ClinVar aggregate classification (germline): Uncertain significance. Review status: criteria provided, multiple submitters, no conflicts (2 of 4 stars). 2 submissions from 2 submitters: Uncertain significance (2). Last evaluated 2026-01-14.

Conditions:
Inborn genetic diseases. Identifiers: MedGen C0950123, MeSH D030342.

Allele frequency attached by ClinVar (database versions not stated): gnomAD 0.00001; gnomAD exomes 0.00001; TOPMed 0.00003.
gnomAD v4.1: 18 of 1,303,076 alleles (0.0014%); highest among the groups gnomAD compares: Admixed American, 0.033%; no homozygotes.

Submissions (2):

Labcorp Genetics (formerly Invitae), Labcorp
Classification: Uncertain significance. Last evaluated: 2026-01-14. Review status: criteria provided, single submitter. Criteria: Invitae Variant Classification Sherloc (09022015). Collection method: clinical testing. Allele origin: germline.
Comment: This sequence change replaces proline, which is neutral and non-polar, with serine, which is neutral and polar, at codon 124 of the CDK13 protein (p.Pro124Ser). This variant is present in population databases (no rsID available, gnomAD 0.006%). This variant has not been reported in the literature in individuals affected with CDK13-related conditions. ClinVar contains an entry for this variant (Variation ID: 1366573). Invitae Evidence Modeling of protein sequence and biophysical properties (such as structural, functional, and spatial information, amino acid conservation, physicochemical variation, residue mobility, and thermodynamic stability) indicates that this missense variant is not expected to disrupt CDK13 protein function with a negative predictive value of 95%. In summary, the available evidence is currently insufficient to determine the role of this variant in disease. Therefore, it has been classified as a Variant of Uncertain Significance.

Ambry Genetics
Classification: Uncertain significance for Inborn genetic diseases. Last evaluated: 2025-06-16. Review status: criteria provided, single submitter. Criteria: Ambry Variant Classification Scheme 2023. Collection method: clinical testing. Allele origin: germline.